The following is an entry in ClinVar:

ClinVar aggregate classification (germline): Benign/Likely benign. Review status: criteria provided, multiple submitters, no conflicts (2 of 4 stars). 6 submissions from 6 submitters: Benign (1); Likely benign (4). 1 of the submissions does not count toward it. Last evaluated 2025-11-07.

Conditions:
VWF-related disorder. Also called: VWF-related disorders; VWF-related condition.

Allele frequency attached by ClinVar (database versions not stated): 1000 Genomes Project 0.00040; 1000 Genomes Project 30x 0.00047; gnomAD 0.00108 and 0.00110; gnomAD exomes 0.00110 and 0.00134; ESP Exome Variant Server 0.00123; TOPMed 0.00129; ExAC 0.00134.
gnomAD v4.1: 1,778 of 1,614,244 alleles (0.11%); highest among the groups gnomAD compares: Middle Eastern, 0.3%; 3 homozygotes.

Submissions (6):

Quest Diagnostics Nichols Institute San Juan Capistrano
Classification: Benign. Last evaluated: 2025-11-07. Review status: criteria provided, single submitter. Criteria: Quest Diagnostics criteria. Collection method: clinical testing. Allele origin: unknown.

Blueprint Genetics
Classification: Likely benign. Last evaluated: 2024-11-22. Review status: criteria provided, single submitter. Criteria: ACMG Guidelines, 2015. Collection method: clinical testing. Allele origin: germline.

Women's Health and Genetics/Laboratory Corporation of America, LabCorp
Classification: Likely benign. Last evaluated: 2024-10-01. Review status: criteria provided, single submitter. Criteria: LabCorp Variant Classification Summary - May 2015. Collection method: clinical testing. Allele origin: germline.

CeGaT Center for Human Genetics Tuebingen
Classification: Likely benign. Last evaluated: 2024-09-01. Review status: criteria provided, single submitter. Criteria: CeGaT Center For Human Genetics Tuebingen Variant Classification Criteria Version 2. Collection method: clinical testing. Allele origin: germline. Affected: yes. Observed: 2 variant alleles.
Comment: VWF: BP4, BP7

Genetic Services Laboratory, University of Chicago
Classification: Likely benign. Last evaluated: 2018-09-05. Review status: criteria provided, single submitter. Criteria: ACMG Guidelines, 2015. Collection method: clinical testing. Allele origin: germline. Affected: no.

PreventionGenetics, part of Exact Sciences
Classification: Likely benign for VWF-related condition. Last evaluated: 2023-01-31. Review status: no assertion criteria provided. Collection method: clinical testing. Allele origin: germline. Not counted in ClinVar's aggregate classification.
Comment: This variant is classified as likely benign based on ACMG/AMP sequence variant interpretation guidelines (Richards et al. 2015 PMID: 25741868, with internal and published modifications).

NM_000552.5(VWF):c.6756G>A (p.Glu2252=)

Gene: VWF (von Willebrand factor; minus strand). Cytogenetic location: 12p13.31.
Variant type: single nucleotide variant.
Coding change: c.6756G>A on transcript NM_000552.5 (MANE Select); coding-DNA position 6756, G replaced by A.
Protein change: p.Glu2252=; no amino-acid change (glutamic acid 2252 retained).
Molecular consequence: synonymous variant.
Genome position (GRCh38, 1-based): chr12:5,991,861, C>T on the plus strand (G>A on the coding strand, the complement: VWF is on the minus strand). VCF-style: chr12-5991861-C-T. GRCh37 (hg19) VCF-style: chr12-6101027-C-T.
Other names: c.6756G>A (NM_000552.4).
Identifiers: ClinVar variation 310050 (VCV000310050.45), dbSNP rs71581020, ClinGen allele CA6401921.